The following is an entry in ClinVar:

NM_033380.3(COL4A5):c.4533G>A (p.Thr1511=)

Gene: COL4A5 (collagen type IV alpha 5 chain; plus strand). Cytogenetic location: Xq22.3.
Variant type: single nucleotide variant.
Coding change: c.4533G>A on transcript NM_033380.3 (MANE Select); coding-DNA position 4533, G replaced by A.
Protein change: p.Thr1511=; no amino-acid change (threonine 1511 retained).
Molecular consequence: synonymous variant.
Genome position (GRCh38, 1-based): chrX:108,692,752, G>A. VCF-style: chrX-108692752-G-A. GRCh37 (hg19) VCF-style: chrX-107935982-G-A.
Other names: c.4515G>A, p.Thr1505= (NM_000495.5).
Identifiers: ClinVar variation 1151379 (VCV001151379.16), dbSNP rs370327284, ClinGen allele CA10489381.

ClinVar aggregate classification (germline): Likely benign. Review status: criteria provided, multiple submitters, no conflicts (2 of 4 stars). 2 submissions from 2 submitters: Likely benign (2). Last evaluated 2026-01-06.

Allele frequency attached by ClinVar (database versions not stated): gnomAD exomes 0.00003; TOPMed 0.00003; gnomAD 0.00004 and 0.00005; ESP Exome Variant Server 0.00009; ExAC 0.00001.
gnomAD v4.1: 61 of 1,208,969 alleles (0.005%); highest among the groups gnomAD compares: Non-Finnish European, 0.0064%; no homozygotes.

Submissions (2):

Labcorp Genetics (formerly Invitae), Labcorp
Classification: Likely benign. Last evaluated: 2026-01-06. Review status: criteria provided, single submitter. Criteria: Invitae Variant Classification Sherloc (09022015). Collection method: clinical testing. Allele origin: germline.

CeGaT Center for Human Genetics Tuebingen
Classification: Likely benign. Last evaluated: 2025-03-01. Review status: criteria provided, single submitter. Criteria: CeGaT Center For Human Genetics Tuebingen Variant Classification Criteria Version 2. Collection method: clinical testing. Allele origin: germline. Affected: yes. Observed: 1 variant allele.
Comment: COL4A5: BP4, BP7, BS2